The following is an entry in ClinVar:

ClinVar aggregate classification (germline): Uncertain significance (1 of 4 stars; one submission).

Conditions:
Dyskeratosis congenita, autosomal dominant 2. Identifiers: MedGen C3151443, MONDO:0013521, OMIM 613989.
Idiopathic Pulmonary Fibrosis. Also called: Idiopathic fibrosing alveolitis, chronic form; idiopathic fibrosing alveolitis. Identifiers: Orphanet 2032, MedGen C1800706, MeSH D054990, MONDO:0800504.

Allele frequency attached by ClinVar (database versions not stated): TOPMed below 0.00001.

Submission:

Labcorp Genetics (formerly Invitae), Labcorp
Classification: Uncertain significance for Dyskeratosis congenita, autosomal dominant 2; Idiopathic Pulmonary Fibrosis. Last evaluated: 2020-12-29. Review status: criteria provided, single submitter. Criteria: Invitae Variant Classification Sherloc (09022015). Collection method: clinical testing. Allele origin: germline.
Comment: This variant is not present in population databases (ExAC no frequency). In summary, the available evidence is currently insufficient to determine the role of this variant in disease. Therefore, it has been classified as a Variant of Uncertain Significance. Advanced modeling of protein sequence and biophysical properties (such as structural, functional, and spatial information, amino acid conservation, physicochemical variation, residue mobility, and thermodynamic stability) performed at Invitae indicates that this missense variant is not expected to disrupt TERT protein function. This variant has not been reported in the literature in individuals with TERT-related conditions. This sequence change replaces glycine with glutamic acid at codon 976 of the TERT protein (p.Gly976Glu). The glycine residue is weakly conserved and there is a moderate physicochemical difference between glycine and glutamic acid.

NM_198253.3(TERT):c.2927G>A (p.Gly976Glu)

Gene: TERT (telomerase reverse transcriptase; minus strand). Cytogenetic location: 5p15.33.
Variant type: single nucleotide variant.
Coding change: c.2927G>A on transcript NM_198253.3 (MANE Select); coding-DNA position 2927, G replaced by A.
Protein change: p.Gly976Glu; replaces glycine 976 with glutamic acid.
Molecular consequence: missense variant. On other transcripts: non-coding transcript variant (2).
Genome position (GRCh38, 1-based): chr5:1,260,517, C>T on the plus strand (G>A on the coding strand, the complement: TERT is on the minus strand). VCF-style: chr5-1260517-C-T. GRCh37 (hg19) VCF-style: chr5-1260632-C-T.
Other names: c.2738G>A, p.Gly913Glu (NM_001193376.3); short protein forms G976E, G913E.
Identifiers: ClinVar variation 1400505 (VCV001400505.8), dbSNP rs1748151682, ClinGen allele CA359069883.